The following is an entry in ClinVar:

NM_006206.6(PDGFRA):c.2378T>G (p.Leu793Trp)

Gene: PDGFRA (platelet derived growth factor receptor alpha; plus strand). Cytogenetic location: 4q12.
Variant type: single nucleotide variant.
Coding change: c.2378T>G on transcript NM_006206.6 (MANE Select); coding-DNA position 2378, T replaced by G.
Protein change: p.Leu793Trp; replaces leucine 793 with tryptophan.
Molecular consequence: missense variant.
Genome position (GRCh38, 1-based): chr4:54,285,425, T>G. VCF-style: chr4-54285425-T-G. GRCh37 (hg19) VCF-style: chr4-55151592-T-G.
Other names: c.2453T>G, p.Leu818Trp (NM_001347828.2); c.2378T>G, p.Leu793Trp (NM_001347829.2); c.2417T>G, p.Leu806Trp (NM_001347830.2); short protein forms L806W, L793W, L818W.
Identifiers: ClinVar variation 962098 (VCV000962098.11), dbSNP rs1724303183, ClinGen allele CA356894694.

ClinVar aggregate classification (germline): Uncertain significance. Review status: criteria provided, multiple submitters, no conflicts (2 of 4 stars). 2 submissions from 2 submitters: Uncertain significance (2). Last evaluated 2024-03-04.

Conditions:
Hereditary cancer-predisposing syndrome. Also called: Hereditary neoplastic syndrome; Neoplastic Syndromes, Hereditary; Hereditary Cancer Syndrome; Tumor predisposition. Identifiers: Orphanet 140162, MedGen C0027672, MeSH D009386, MONDO:0015356.
Gastrointestinal stromal tumor. Also called: Gastrointestinal stromal tumor, somatic; Gastrointestinal stroma tumor. Identifiers: Orphanet 44890, MedGen C0238198, MeSH D046152, MONDO:0011719, OMIM 606764, HP:0100723.

Submissions (2):

Ambry Genetics
Classification: Uncertain significance for Hereditary cancer-predisposing syndrome. Last evaluated: 2024-03-04. Review status: criteria provided, single submitter. Criteria: Ambry Variant Classification Scheme 2023. Collection method: clinical testing. Allele origin: germline.
Comment: The p.L793W variant (also known as c.2378T>G), located in coding exon 16 of the PDGFRA gene, results from a T to G substitution at nucleotide position 2378. The leucine at codon 793 is replaced by tryptophan, an amino acid with similar properties. This amino acid position is conserved. In addition, the in silico prediction for this alteration is inconclusive. Based on the available evidence, the clinical significance of this alteration remains unclear.

Labcorp Genetics (formerly Invitae), Labcorp
Classification: Uncertain significance for Gastrointestinal stromal tumor. Last evaluated: 2019-11-11. Review status: criteria provided, single submitter. Criteria: Invitae Variant Classification Sherloc (09022015). Collection method: clinical testing. Allele origin: germline.
Comment: This sequence change replaces leucine with tryptophan at codon 793 of the PDGFRA protein (p.Leu793Trp). The leucine residue is moderately conserved and there is a small physicochemical difference between leucine and tryptophan. This variant is not present in population databases (ExAC no frequency). This variant has not been reported in the literature in individuals with PDGFRA-related conditions. Algorithms developed to predict the effect of missense changes on protein structure and function are either unavailable or do not agree on the potential impact of this missense change (SIFT: "Deleterious"; PolyPhen-2: "Probably Damaging"; Align-GVGD: "Class C0"). In summary, the available evidence is currently insufficient to determine the role of this variant in disease. Therefore, it has been classified as a Variant of Uncertain Significance.